The following is an entry in ClinVar:

ClinVar aggregate classification (germline): Conflicting classifications of pathogenicity. Review status: criteria provided, conflicting classifications (1 of 4 stars). 2 submissions from 2 submitters: Uncertain significance (1); Likely benign (1). Last evaluated 2025-06-22.

Conditions:
Rhabdoid tumor predisposition syndrome 2 (RTPS2). Identifiers: Orphanet 231108, Orphanet 69077, MedGen C2750074, MONDO:0013224, OMIM 613325.
Hereditary cancer-predisposing syndrome. Also called: Hereditary Cancer Syndrome; Tumor predisposition; Hereditary neoplastic syndrome; Neoplastic Syndromes, Hereditary. Identifiers: Orphanet 140162, MedGen C0027672, MeSH D009386, MONDO:0015356.

Allele frequency attached by ClinVar (database versions not stated): gnomAD exomes below 0.00001 and 0.00001.
gnomAD v4.1: 2 of 1,610,866 alleles (0.00012%); highest among the groups gnomAD compares: Admixed American, 0.0033%; no homozygotes.

Submissions (2):

Labcorp Genetics (formerly Invitae), Labcorp
Classification: Uncertain significance for Rhabdoid tumor predisposition syndrome 2. Last evaluated: 2025-06-22. Review status: criteria provided, single submitter. Criteria: Invitae Variant Classification Sherloc (09022015). Collection method: clinical testing. Allele origin: germline.
Comment: This sequence change affects codon 1258 of the SMARCA4 mRNA. It is a 'silent' change, meaning that it does not change the encoded amino acid sequence of the SMARCA4 protein. This variant also falls at the last nucleotide of exon 26, which is part of the consensus splice site for this exon. This variant is not present in population databases (gnomAD no frequency). This variant has not been reported in the literature in individuals affected with SMARCA4-related conditions. ClinVar contains an entry for this variant (Variation ID: 1417559). Variants that disrupt the consensus splice site are a relatively common cause of aberrant splicing (PMID: 17576681, 9536098). RNA analysis performed to evaluate the impact of this variant on mRNA splicing indicates it does not significantly alter splicing (internal data). In summary, the available evidence is currently insufficient to determine the role of this variant in disease. Therefore, it has been classified as a Variant of Uncertain Significance.

Ambry Genetics
Classification: Likely benign for Hereditary cancer-predisposing syndrome. Last evaluated: 2025-05-07. Review status: criteria provided, single submitter. Criteria: Ambry Variant Classification Scheme 2023. Collection method: clinical testing. Allele origin: germline.

Literature cited by the submitters: PubMed 17576681 (cited by Labcorp Genetics (formerly Invitae), Labcorp); PubMed 9536098 (cited by Labcorp Genetics (formerly Invitae), Labcorp).

NM_003072.5(SMARCA4):c.3774G>A (p.Glu1258=)

Gene: SMARCA4 (SWI/SNF related BAF chromatin remodeling complex subunit ATPase 4; plus strand). Cytogenetic location: 19p13.2.
Variant type: single nucleotide variant.
Coding change: c.3774G>A on transcript NM_003072.5 (MANE Select); coding-DNA position 3774, G replaced by A.
Protein change: p.Glu1258=; no amino-acid change (glutamic acid 1258 retained).
Molecular consequence: synonymous variant. On other transcripts: non-coding transcript variant (1).
Genome position (GRCh38, 1-based): chr19:11,033,517, G>A. VCF-style: chr19-11033517-G-A. GRCh37 (hg19) VCF-style: chr19-11144193-G-A.
Other names: c.3774G>A (NM_001128849.1); c.3774G>A, p.Glu1258= (NM_001128844.3, NM_001128845.2, NM_001128846.2 and 5 more transcripts).
Identifiers: ClinVar variation 1417559 (VCV001417559.7), dbSNP rs1568510163, ClinGen allele CA505743720.